The following is an entry in ClinVar:

ClinVar aggregate classification (germline): Uncertain significance. Review status: criteria provided, multiple submitters, no conflicts (2 of 4 stars). 3 submissions from 3 submitters: Uncertain significance (3). Last evaluated 2026-01-27.

Conditions:
Hereditary cancer-predisposing syndrome. Also called: Tumor predisposition; Neoplastic Syndromes, Hereditary; Hereditary Cancer Syndrome; Hereditary neoplastic syndrome. Identifiers: Orphanet 140162, MedGen C0027672, MeSH D009386, MONDO:0015356.
Pheochromocytoma/paraganglioma syndrome 5. Also called: Paragangliomas 5; SDHA-Related Hereditary Paraganglioma-Pheochromocytoma Syndrome. Identifiers: Orphanet 29072, MedGen C3279992, MONDO:0013602, OMIM 614165.
Mitochondrial complex II deficiency, nuclear type 1. Also called: SUCCINATE CoQ REDUCTASE DEFICIENCY. Identifiers: Orphanet 3208, MedGen C5700310, MONDO:0100294, OMIM 252011.

Allele frequency attached by ClinVar (database versions not stated): gnomAD exomes below 0.00001; ExAC 0.00001; gnomAD 0.00001; TOPMed 0.00001; ESP Exome Variant Server 0.00008.
gnomAD v4.1: 3 of 1,613,892 alleles (0.00019%); highest among the groups gnomAD compares: Non-Finnish European, 0.00025%; no homozygotes.

Submissions (3):

Labcorp Genetics (formerly Invitae), Labcorp
Classification: Uncertain significance for Pheochromocytoma/paraganglioma syndrome 5; Mitochondrial complex II deficiency, nuclear type 1. Last evaluated: 2026-01-27. Review status: criteria provided, single submitter. Criteria: Invitae Variant Classification Sherloc (09022015). Collection method: clinical testing. Allele origin: germline.
Comment: This sequence change replaces glutamic acid, which is acidic and polar, with aspartic acid, which is acidic and polar, at codon 374 of the SDHA protein (p.Glu374Asp). This variant is present in population databases (rs377283167, gnomAD 0.0009%). This variant has not been reported in the literature in individuals affected with SDHA-related conditions. ClinVar contains an entry for this variant (Variation ID: 658404). Invitae Evidence Modeling of protein sequence and biophysical properties (such as structural, functional, and spatial information, amino acid conservation, physicochemical variation, residue mobility, and thermodynamic stability) indicates that this missense variant is not expected to disrupt SDHA protein function with a negative predictive value of 95%. In summary, the available evidence is currently insufficient to determine the role of this variant in disease. Therefore, it has been classified as a Variant of Uncertain Significance.

Ambry Genetics
Classification: Uncertain significance for Hereditary cancer-predisposing syndrome. Last evaluated: 2025-07-22. Review status: criteria provided, single submitter. Criteria: Ambry Variant Classification Scheme 2023. Collection method: clinical testing. Allele origin: germline.
Comment: The p.E374D variant (also known as c.1122G>T), located in coding exon 9 of the SDHA gene, results from a G to T substitution at nucleotide position 1122. The glutamic acid at codon 374 is replaced by aspartic acid, an amino acid with highly similar properties. This amino acid position is not well conserved in available vertebrate species. In addition, this alteration is predicted to be tolerated by in silico analysis. Based on the available evidence, the clinical significance of this variant remains unclear.

GeneDx
Classification: Uncertain significance. Last evaluated: 2020-09-04. Review status: criteria provided, single submitter. Criteria: GeneDx Variant Classification Process June 2021. Collection method: clinical testing. Allele origin: germline. Affected: yes.
Comment: Not observed in large population cohorts (Lek et al., 2016); In silico analysis, which includes protein predictors and evolutionary conservation, supports that this variant does not alter protein structure/function; Has not been previously published as pathogenic or benign to our knowledge

NM_004168.4(SDHA):c.1122G>T (p.Glu374Asp)

Gene: SDHA (succinate dehydrogenase complex flavoprotein subunit A; plus strand). Cytogenetic location: 5p15.33.
Variant type: single nucleotide variant.
Coding change: c.1122G>T on transcript NM_004168.4 (MANE Select); coding-DNA position 1122, G replaced by T.
Protein change: p.Glu374Asp; replaces glutamic acid 374 with aspartic acid.
Molecular consequence: missense variant.
Genome position (GRCh38, 1-based): chr5:235,201, G>T. VCF-style: chr5-235201-G-T. GRCh37 (hg19) VCF-style: chr5-235316-G-T.
Other names: c.978G>T, p.Glu326Asp (NM_001294332.2); c.1122G>T, p.Glu374Asp (NM_001330758.2); short protein forms E326D, E374D.
Identifiers: ClinVar variation 658404 (VCV000658404.16), dbSNP rs377283167, ClinGen allele CA3173114.